The following is an entry in ClinVar:

NM_001168618.2(IFT46):c.301C>G (p.Pro101Ala)

Gene: IFT46 (intraflagellar transport 46; minus strand). Cytogenetic location: 11q23.3.
Variant type: single nucleotide variant.
Coding change: c.301C>G on transcript NM_001168618.2 (MANE Select); coding-DNA position 301, C replaced by G.
Protein change: p.Pro101Ala; replaces proline 101 with alanine.
Molecular consequence: missense variant.
Genome position (GRCh38, 1-based): chr11:118,555,043, G>C on the plus strand (C>G on the coding strand, the complement: IFT46 is on the minus strand). VCF-style: chr11-118555043-G-C. GRCh37 (hg19) VCF-style: chr11-118425758-G-C.
Other names: c.454C>G, p.Pro152Ala (NM_020153.4); short protein forms P101A, P152A.
Identifiers: ClinVar variation 2642438 (VCV002642438.24), dbSNP rs145438119, ClinGen allele CA6305806.

ClinVar aggregate classification (germline): Likely benign (1 of 4 stars; one submission).

Allele frequency attached by ClinVar (database versions not stated): 1000 Genomes Project 0.00200; 1000 Genomes Project 30x 0.00203; ESP Exome Variant Server 0.00477; TOPMed 0.00486; gnomAD 0.00663; ExAC 0.00717.
gnomAD v4.1: 13,101 of 1,613,680 alleles (0.81%); highest among the groups gnomAD compares: Non-Finnish European, 0.92%; 69 homozygotes.

Submission:

CeGaT Center for Human Genetics Tuebingen
Classification: Likely benign. Last evaluated: 2026-04-01. Review status: criteria provided, single submitter. Criteria: CeGaT Center For Human Genetics Tuebingen Variant Classification Criteria Version 2. Collection method: clinical testing. Allele origin: germline. Affected: yes. Observed: 2 variant alleles.
Comment: IFT46: BS2